The following is an entry in ClinVar:

NM_000043.6(FAS):c.785T>A (p.Ile262Asn)

Gene: FAS (Fas cell surface death receptor; plus strand). Cytogenetic location: 10q23.31.
Variant type: single nucleotide variant.
Coding change: c.785T>A on transcript NM_000043.6 (MANE Select); coding-DNA position 785, T replaced by A.
Protein change: p.Ile262Asn; replaces isoleucine 262 with asparagine.
Molecular consequence: missense variant. On other transcripts: 3 prime UTR variant (2), non-coding transcript variant (7).
Genome position (GRCh38, 1-based): chr10:89,014,227, T>A. VCF-style: chr10-89014227-T-A. GRCh37 (hg19) VCF-style: chr10-90773984-T-A.
Other names: c.*108T>A (NM_001320619.2); c.722T>A, p.Ile241Asn (NM_152871.4); c.*97T>A (NM_152872.4); short protein forms I262N, I241N.
Identifiers: ClinVar variation 381554 (VCV000381554.2), dbSNP rs483352683, ClinGen allele CA16606003.

ClinVar aggregate classification (germline): Likely pathogenic (1 of 4 stars; one submission).

Submission:

GeneDx
Classification: Likely pathogenic. Last evaluated: 2016-09-20. Review status: criteria provided, single submitter. Criteria: GeneDx Variant Classification (06012015). Collection method: clinical testing. Allele origin: germline. Affected: yes.
Comment: The I262N variant in the FAS gene has not been published in association with autoimmune lymphoproliferative syndrome (ALPS) to our knowledge. The variant was not observed in approximately 6,500 individuals of European and African American ancestry in the NHLBI Exome Sequencing Project, indicating it is not a common benign variant in these populations. I262N is a non-conservative amino acid substitution, which is likely to impact secondary protein structure as these residues differ in polarity, charge, size and/or other properties. This substitution occurs at a position within the critical death domain that is conserved in mammals, and in silico analysis predicts this variant is probably damaging to the protein structure/function. Missense variants in the same residue (I262S/T) and in nearby residues (A257D, I259T/R, D260H/Y/N/V/G) have been reported in the Human Gene Mutation Database in association with FAS-associated disorders (Stenson et al., 2014), supporting the functional importance of this region of the protein. Therefore, this variant is likely pathogenic; however, the possibility that it is benign cannot be excluded.